The following is an entry in ClinVar:

ClinVar aggregate classification (germline): Likely pathogenic (1 of 4 stars; one submission).

Conditions:
Noonan syndrome 1 (NS1). Also called: FEMALE PSEUDO-TURNER SYNDROME; TURNER PHENOTYPE WITH NORMAL KARYOTYPE; PTPN11-Related Noonan Syndrome. Identifiers: Orphanet 648, MedGen C4551602, MONDO:0008104, OMIM 163950. Disease mechanism: gain of function.
LEOPARD syndrome 1 (LPRD1). Also called: LENTIGINOSIS, CARDIOMYOPATHIC; MULTIPLE LENTIGINES SYNDROME; PTPN11-Related LEOPARD Syndrome. Identifiers: Orphanet 500, MedGen C4551484, MONDO:0100082, OMIM 151100.

gnomAD v4.1: 1 of 1,612,968 alleles (0.000062%); highest among the groups gnomAD compares: Non-Finnish European, 0.000085%; no homozygotes.

Submission:

Diagnostics Services (NGS), CSIR - Centre For Cellular And Molecular Biology
Classification: Likely pathogenic for LEOPARD syndrome 1; Noonan syndrome 1. Last evaluated: 2026-03-03. Review status: criteria provided, single submitter. Criteria: ACMG Guidelines, 2015. Collection method: clinical testing. Allele origin: germline. Affected: yes. Observed: 1 variant allele, 1 heterozygote.
Comment: The c.1224+1G>A variant is not present in publicly available population databases like 1000 Genomes, EVS, gnomAD, Indian Exome Database or our internal database. This variant has neither been reported in the literature in individuals affected with PTPN11-related conditions nor reported to the clinical databases like Human Genome Mutation Database (HGMD), ClinVar or OMIM in any affected individuals. Algorithms developed to predict the effect of sequence changes on RNA splicing suggest that this variant can disrupt the consensus splice site. In-silico pathogenicity prediction programs like HSF3.1, MutationTaster2021, CADD, etc predicted this variant to be likely deleterious, however these predictions were not confirmed by published functional/translational studies.

NM_002834.5(PTPN11):c.1224+1G>A

Gene: PTPN11 (protein tyrosine phosphatase non-receptor type 11; plus strand). Cytogenetic location: 12q24.13.
Variant type: single nucleotide variant.
Coding change: c.1224+1G>A on transcript NM_002834.5 (MANE Select); the canonical splice donor site of the intron after coding-DNA position 1224, G replaced by A.
Molecular consequence: splice donor variant.
Genome position (GRCh38, 1-based): chr12:112,482,206, G>A. VCF-style: chr12-112482206-G-A. GRCh37 (hg19) VCF-style: chr12-112920010-G-A.
Other names: c.1224+1G>A (NM_001330437.2, NM_080601.3); c.1221+1G>A (NM_001374625.1).
Identifiers: ClinVar variation 4849715 (VCV004849715.1).